The following is an entry in ClinVar:

NM_000052.7(ATP7A):c.3111+6A>G

Gene: ATP7A (ATPase copper transporting alpha; plus strand). Cytogenetic location: Xq21.1.
Variant type: single nucleotide variant.
Coding change: c.3111+6A>G on transcript NM_000052.7 (MANE Select); 6 bases into the intron after coding-DNA position 3111, A replaced by G.
Molecular consequence: intron variant.
Genome position (GRCh38, 1-based): chrX:78,029,450, A>G. VCF-style: chrX-78029450-A-G. GRCh37 (hg19) VCF-style: chrX-77284947-A-G.
Other names: c.2877+6A>G (NM_001282224.2).
Identifiers: ClinVar variation 1005814 (VCV001005814.5), dbSNP rs2077968712, ClinGen allele CA2439106370.

ClinVar aggregate classification (germline): Uncertain significance (1 of 4 stars; one submission).

Conditions:
X-linked distal spinal muscular atrophy type 3. Also called: SPINAL MUSCULAR ATROPHY, DISTAL, X-LINKED RECESSIVE; NEURONOPATHY, DISTAL HEREDITARY MOTOR, X-LINKED; NEUROPATHY, DISTAL HEREDITARY MOTOR, X-LINKED; ATP7A-Related Distal Motor Neuropathy. Identifiers: Orphanet 139557, MedGen C1845359, MONDO:0010338, OMIM 300489.
Menkes kinky-hair syndrome (MNK). Also called: Classic Menkes Disease; Menkes Disease; Copper transport disease. Identifiers: Orphanet 565, MedGen C0022716, MONDO:0010651, OMIM 309400.
Cutis laxa, X-linked (OHS). Also called: EDS IX; Occipital horn syndrome. Identifiers: Orphanet 198, MedGen C0268353, MONDO:0010572, OMIM 304150.

Allele frequency attached by ClinVar (database versions not stated): gnomAD exomes below 0.00001.
gnomAD v4.1: 1 of 1,205,120 alleles (0.000083%); highest among the groups gnomAD compares: Non-Finnish European, 0.00011%; no homozygotes.

Submission:

Labcorp Genetics (formerly Invitae), Labcorp
Classification: Uncertain significance for X-linked distal spinal muscular atrophy type 3; Cutis laxa, X-linked; Menkes kinky-hair syndrome. Last evaluated: 2023-08-06. Review status: criteria provided, single submitter. Criteria: Invitae Variant Classification Sherloc (09022015). Collection method: clinical testing. Allele origin: germline.
Comment: This variant is not present in population databases (gnomAD no frequency). This sequence change falls in intron 15 of the ATP7A gene. It does not directly change the encoded amino acid sequence of the ATP7A protein. It affects a nucleotide within the consensus splice site. This variant has not been reported in the literature in individuals affected with ATP7A-related conditions. ClinVar contains an entry for this variant (Variation ID: 1005814). Variants that disrupt the consensus splice site are a relatively common cause of aberrant splicing (PMID: 17576681, 9536098). Algorithms developed to predict the effect of sequence changes on RNA splicing suggest that this variant is not likely to affect RNA splicing. In summary, the available evidence is currently insufficient to determine the role of this variant in disease. Therefore, it has been classified as a Variant of Uncertain Significance.

Literature cited by the submitters: PubMed 17576681; PubMed 9536098.